The following is an entry in ClinVar:

NM_006231.4(POLE):c.5196_5209del (p.Asn1733fs)

Gene: POLE (DNA polymerase epsilon, catalytic subunit; minus strand). Cytogenetic location: 12q24.33.
Variant type: Deletion.
Coding change: c.5196_5209del on transcript NM_006231.4 (MANE Select); coding-DNA positions 5196 to 5209, 14 bases deleted (GAACCTGGCCGTCA).
Protein change: p.Asn1733fs; shifts the reading frame from asparagine 1733.
Molecular consequence: frameshift variant.
Genome position (GRCh38, 1-based): chr12:132,641,816-132,641,829, TGACGGCCAGGTTC deleted on the plus strand (GAACCTGGCCGTCA on the coding strand, the reverse complement: POLE is on the minus strand); deleting any 14 consecutive bases within chr12:132,641,816-132,641,832 gives the same sequence; the c. name uses the placement nearest the transcript's 3' end. VCF-style (leftmost placement, unchanged base first): chr12-132641815-TTGACGGCCAGGTTC-T. GRCh37 (hg19) VCF-style: chr12-133218401-TTGACGGCCAGGTTC-T.
Other names: c.5196_5209del14 (NM_006231.2); short protein forms N1733fs.
Identifiers: ClinVar variation 858343 (VCV000858343.10), dbSNP rs2042150698, ClinGen allele CA916082379.

ClinVar aggregate classification (germline): Conflicting classifications of pathogenicity. Review status: criteria provided, conflicting classifications (1 of 4 stars). 2 submissions from 2 submitters: Pathogenic (1); Uncertain significance (1). Last evaluated 2025-08-15.

Conditions:
Hereditary cancer-predisposing syndrome. Also called: Tumor predisposition; Hereditary neoplastic syndrome; Neoplastic Syndromes, Hereditary; Hereditary Cancer Syndrome. Identifiers: Orphanet 140162, MedGen C0027672, MeSH D009386, MONDO:0015356.

Submissions (2):

Ambry Genetics
Classification: Uncertain significance for Hereditary cancer-predisposing syndrome. Last evaluated: 2025-08-15. Review status: criteria provided, single submitter. Criteria: Ambry Variant Classification Scheme 2023. Collection method: clinical testing. Allele origin: germline.
Comment: The c.5196_5209del14 variant, located in coding exon 39 of the POLE gene, results from a deletion of 14 nucleotides at nucleotide positions 5196 to 5209, causing a translational frameshift with a predicted alternate stop codon (p.N1733Hfs*47). This alteration is expected to result in loss of function by premature protein truncation or nonsense-mediated mRNA decay. Although biallelic loss of function of POLE has been associated with autosomal recessive POLE deficiency, haploinsufficiency of POLE has not been established as a mechanism of disease for POLE-related polymerase proofreading-associated polyposis (PPAP) and POLE-related CMMRD-like syndrome. Based on the supporting evidence, this variant is expected to be causative of POLE deficiency when present along with a second pathogenic variant on the other allele; however, its clinical significance for PPAP and POLE-related CMMRD-like syndrome is unclear.

Labcorp Genetics (formerly Invitae), Labcorp
Classification: Pathogenic. Last evaluated: 2022-05-27. Review status: criteria provided, single submitter. Criteria: Invitae Variant Classification Sherloc (09022015). Collection method: clinical testing. Allele origin: germline.
Comment: For these reasons, this variant has been classified as Pathogenic. ClinVar contains an entry for this variant (Variation ID: 858343). This variant has not been reported in the literature in individuals affected with POLE-related conditions. This variant is not present in population databases (gnomAD no frequency). This sequence change creates a premature translational stop signal (p.Asn1733Hisfs*47) in the POLE gene. It is expected to result in an absent or disrupted protein product. Loss-of-function variants in POLE are known to be pathogenic (PMID: 23230001, 25948378, 30503519).

Literature cited by the submitters: PubMed 23230001 (cited by Labcorp Genetics (formerly Invitae), Labcorp); PubMed 25948378 (cited by Labcorp Genetics (formerly Invitae), Labcorp); PubMed 30503519 (cited by Labcorp Genetics (formerly Invitae), Labcorp).